The following is an entry in ClinVar:

ClinVar aggregate classification (germline): Uncertain significance. Review status: criteria provided, multiple submitters, no conflicts (2 of 4 stars). 2 submissions from 2 submitters: Uncertain significance (2). Last evaluated 2025-01-23.

Conditions:
Fanconi anemia complementation group E (FANCE). Also called: FANCE-Related Fanconi Anemia. Identifiers: Orphanet 84, MedGen C3160739, MONDO:0010953, OMIM 600901.

Allele frequency attached by ClinVar (database versions not stated): gnomAD 0.00001; gnomAD exomes 0.00001 and 0.00002; TOPMed 0.00001; ExAC 0.00002; 1000 Genomes Project 30x 0.00016; 1000 Genomes Project 0.00020.

Submissions (2):

Labcorp Genetics (formerly Invitae), Labcorp
Classification: Uncertain significance for Fanconi anemia complementation group E. Last evaluated: 2025-01-23. Review status: criteria provided, single submitter. Criteria: Invitae Variant Classification Sherloc (09022015). Collection method: clinical testing. Allele origin: germline.
Comment: This sequence change replaces arginine, which is basic and polar, with cysteine, which is neutral and slightly polar, at codon 134 of the FANCE protein (p.Arg134Cys). This variant is present in population databases (rs181761362, gnomAD 0.01%). This variant has not been reported in the literature in individuals affected with FANCE-related conditions. ClinVar contains an entry for this variant (Variation ID: 408154). Invitae Evidence Modeling of protein sequence and biophysical properties (such as structural, functional, and spatial information, amino acid conservation, physicochemical variation, residue mobility, and thermodynamic stability) indicates that this missense variant is not expected to disrupt FANCE protein function with a negative predictive value of 80%. In summary, the available evidence is currently insufficient to determine the role of this variant in disease. Therefore, it has been classified as a Variant of Uncertain Significance.

Illumina Laboratory Services, Illumina
Classification: Uncertain significance for Fanconi anemia complementation group E. Last evaluated: 2018-01-12. Review status: criteria provided, single submitter. Criteria: ICSL Variant Classification Criteria 13 December 2019. Collection method: clinical testing. Allele origin: germline.

NM_021922.3(FANCE):c.400C>T (p.Arg134Cys)

Gene: FANCE (FA complementation group E; plus strand). Cytogenetic location: 6p21.31.
Variant type: single nucleotide variant.
Coding change: c.400C>T on transcript NM_021922.3 (MANE Select); coding-DNA position 400, C replaced by T.
Protein change: p.Arg134Cys; replaces arginine 134 with cysteine.
Molecular consequence: missense variant.
Genome position (GRCh38, 1-based): chr6:35,455,898, C>T. VCF-style: chr6-35455898-C-T. GRCh37 (hg19) VCF-style: chr6-35423675-C-T.
Other names: short protein forms R134C.
Identifiers: ClinVar variation 408154 (VCV000408154.13), dbSNP rs181761362, ClinGen allele CA3771402.